The following is an entry in ClinVar:

NM_000179.3(MSH6):c.1642G>C (p.Asp548His)

Gene: MSH6 (mutS homolog 6; plus strand). Cytogenetic location: 2p16.3.
Variant type: single nucleotide variant.
Coding change: c.1642G>C on transcript NM_000179.3 (MANE Select); coding-DNA position 1642, G replaced by C.
Protein change: p.Asp548His; replaces aspartic acid 548 with histidine.
Molecular consequence: missense variant.
Genome position (GRCh38, 1-based): chr2:47,799,625, G>C. VCF-style: chr2-47799625-G-C. GRCh37 (hg19) VCF-style: chr2-48026764-G-C.
Other names: c.1252G>C, p.Asp418His (NM_001281492.2); c.736G>C, p.Asp246His (NM_001281493.2, NM_001281494.2); short protein forms D418H, D246H, D548H.
Identifiers: ClinVar variation 1506287 (VCV001506287.8), dbSNP rs2104357887, ClinGen allele CA346747223.

ClinVar aggregate classification (germline): Uncertain significance (1 of 4 stars; one submission).

Conditions:
Hereditary nonpolyposis colorectal neoplasms. Identifiers: MedGen C0009405, MeSH D003123.

Submission:

Labcorp Genetics (formerly Invitae), Labcorp
Classification: Uncertain significance for Hereditary nonpolyposis colorectal neoplasms. Last evaluated: 2021-02-01. Review status: criteria provided, single submitter. Criteria: Invitae Variant Classification Sherloc (09022015). Collection method: clinical testing. Allele origin: germline.
Comment: Advanced modeling of protein sequence and biophysical properties (such as structural, functional, and spatial information, amino acid conservation, physicochemical variation, residue mobility, and thermodynamic stability) performed at Invitae indicates that this missense variant is not expected to disrupt MSH6 protein function. This variant has not been reported in the literature in individuals with MSH6-related conditions. This variant is not present in population databases (ExAC no frequency). This sequence change replaces aspartic acid with histidine at codon 548 of the MSH6 protein (p.Asp548His). The aspartic acid residue is moderately conserved and there is a moderate physicochemical difference between aspartic acid and histidine. In summary, the available evidence is currently insufficient to determine the role of this variant in disease. Therefore, it has been classified as a Variant of Uncertain Significance.